The following is an entry in ClinVar:

NM_000540.3(RYR1):c.5607G>C (p.Glu1869Asp)

Gene: RYR1 (ryanodine receptor 1; plus strand). Cytogenetic location: 19q13.2.
Variant type: single nucleotide variant.
Coding change: c.5607G>C on transcript NM_000540.3 (MANE Select); coding-DNA position 5607, G replaced by C.
Protein change: p.Glu1869Asp; replaces glutamic acid 1869 with aspartic acid.
Molecular consequence: missense variant.
Genome position (GRCh38, 1-based): chr19:38,489,236, G>C. VCF-style: chr19-38489236-G-C. GRCh37 (hg19) VCF-style: chr19-38979876-G-C.
Other names: c.5607G>C, p.Glu1869Asp (NM_001042723.2); c.5607G>C (NM_000540.2); short protein forms E1869D.
Identifiers: ClinVar variation 1419196 (VCV001419196.11), dbSNP rs1043076830, ClinGen allele CA308096485.
Genomic context (GRCh38, chr19:38,489,236, plus strand): 5'-GGTGATGGGCATCTTTGGCGATGAGGATGTGAAACAGATCTTGAAGATGATTGAGCCTGA[G>C]GTCTTCACTGAGGAAGAAGAGGAGGAGGACGAGGAGGAAGAGGGTGAAGAGGAAGATGAG-3'
Protein context (NP_000531.2, residues 1859-1879): VKQILKMIEP[Glu1869Asp]VFTEEEEEED

ClinVar aggregate classification (germline): Uncertain significance. Review status: criteria provided, multiple submitters, no conflicts (2 of 4 stars). 5 submissions from 5 submitters: Uncertain significance (5). Last evaluated 2025-03-17.

Conditions:
King Denborough syndrome (KDS). Identifiers: MedGen C1840365, MONDO:0020485, OMIM 619542.
Congenital multicore myopathy with external ophthalmoplegia (CMYO1B). Also called: MULTIMINICORE DISEASE WITH EXTERNAL OPHTHALMOPLEGIA; MULTICORE MYOPATHY; Congenital myopathy 1B, autosomal recessive; Minicore myopathy; Minicore myopathy with external ophthalmoplegia. Identifiers: Orphanet 598, Orphanet 98905, MedGen C1850674, MONDO:0009712, OMIM 255320, HP:0003789.
Congenital myopathy with fiber type disproportion. Also called: Congenital fiber-type disproportion myopathy; Congenital fiber-type disproportion. Identifiers: Orphanet 2020, MedGen C0546264, MONDO:0009711. Inheritance: all.
Malignant hyperthermia, susceptibility to, 1 (MHS1). Also called: Anesthesia related hyperthermia; Malignant hyperpyrexia; Fulminating hyperpyrexia; Pharmacogenic myopathy; RYR1-Related Malignant Hyperthermia Susceptibility; Malignant hyperthermia suceptibility 1. Identifiers: Orphanet 423, MedGen C2930980, MONDO:0007783, OMIM 145600.
Central core myopathy (CMYO1A). Also called: Central core disease; Myopathy, central fibrillar; CONGENITAL MYOPATHY 1A, AUTOSOMAL DOMINANT, WITH SUSCEPTIBILITY TO MALIGNANT HYPERTHERMIA. Identifiers: Orphanet 597, MedGen C5830701, MONDO:0007294, OMIM 117000.
RYR1-related disorder. Also called: RYR1-related disorders; RYR1-related condition. Identifiers: MedGen CN239331.

Allele frequency attached by ClinVar (database versions not stated): gnomAD exomes 0.00001.

Submissions (5):

Revvity Omics, Revvity
Classification: Uncertain significance. Last evaluated: 2025-03-17. Review status: criteria provided, single submitter. Criteria: ACMG Guidelines, 2015. Collection method: clinical testing. Allele origin: germline.

Labcorp Genetics (formerly Invitae), Labcorp
Classification: Uncertain significance for RYR1-related disorder. Last evaluated: 2024-10-30. Review status: criteria provided, single submitter. Criteria: Invitae Variant Classification Sherloc (09022015). Collection method: clinical testing. Allele origin: germline.
Comment: This sequence change replaces glutamic acid, which is acidic and polar, with aspartic acid, which is acidic and polar, at codon 1869 of the RYR1 protein (p.Glu1869Asp). This variant is present in population databases (no rsID available, gnomAD 0.006%). This variant has not been reported in the literature in individuals affected with RYR1-related conditions. ClinVar contains an entry for this variant (Variation ID: 1419196). Invitae Evidence Modeling of protein sequence and biophysical properties (such as structural, functional, and spatial information, amino acid conservation, physicochemical variation, residue mobility, and thermodynamic stability) indicates that this missense variant is not expected to disrupt RYR1 protein function with a negative predictive value of 80%. In summary, the available evidence is currently insufficient to determine the role of this variant in disease. Therefore, it has been classified as a Variant of Uncertain Significance.

All of Us Research Program, National Institutes of Health
Classification: Uncertain significance for Malignant hyperthermia, susceptibility to, 1. Last evaluated: 2024-04-16. Review status: criteria provided, single submitter. Criteria: ACMG Guidelines, 2015. Collection method: clinical testing. Allele origin: germline. Inheritance: Autosomal dominant inheritance. Observed: 5 variant alleles, 5 heterozygotes.
Comment: This missense variant replaces glutamic acid with aspartic acid at codon 1869 of the RYR1 protein. Computational prediction suggests that this variant may not impact protein structure and function (internally defined REVEL score threshold <= 0.5, PMID: 27666373). To our knowledge, functional studies have not been reported for this variant. This variant has not been reported in individuals affected with RYR1-related disorders in the literature. This variant has been identified in 3/280198 chromosomes in the general population by the Genome Aggregation Database (gnomAD). The available evidence is insufficient to determine the role of this variant in disease conclusively. Therefore, this variant is classified as a Variant of Uncertain Significance.

This study involves interpretation of variants in research participants for the purpose of population health screening. Participant phenotype was not available at the time of variant classification. Additional details can be found in publication PMID: 35346344, PMCID: PMC8962531

Color Diagnostics, LLC DBA Color Health
Classification: Uncertain significance for Malignant hyperthermia, susceptibility to, 1. Last evaluated: 2023-11-08. Review status: criteria provided, single submitter. Criteria: ACMG Guidelines, 2015. Collection method: clinical testing. Allele origin: germline.
Comment: This missense variant replaces glutamic acid with aspartic acid at codon 1869 of the RYR1 protein. Computational prediction suggests that this variant may not impact protein structure and function. To our knowledge, functional studies have not been reported for this variant. This variant has not been reported in individuals affected with RYR1-related disorders in the literature. This variant has been identified in 3/280198 chromosomes in the general population by the Genome Aggregation Database (gnomAD). The available evidence is insufficient to determine the role of this variant in disease conclusively. Therefore, this variant is classified as a Variant of Uncertain Significance.

Fulgent Genetics
Classification: Uncertain significance for Central core myopathy; Malignant hyperthermia, susceptibility to, 1; Congenital myopathy 4A, autosomal dominant; Congenital multicore myopathy with external ophthalmoplegia; King Denborough syndrome. Last evaluated: 2021-10-04. Review status: criteria provided, single submitter. Criteria: ACMG Guidelines, 2015. Collection method: clinical testing. Allele origin: unknown.